The following is an entry in ClinVar:

ClinVar aggregate classification (germline): Likely benign. Review status: reviewed by expert panel (3 of 4 stars). 12 submissions from 12 submitters: Likely benign (1). 11 of the submissions do not count toward it. Last evaluated 2019-04-29.

Conditions:
TECTA-related disorder. Also called: TECTA-related condition.
Nonsyndromic genetic hearing loss. Also called: Nonsyndromic hearing loss and deafness; Nonsyndromic genetic deafness; Non-syndromic genetic deafness. Identifiers: Orphanet 87884, MedGen C5680182, MONDO:0019497.

Allele frequency attached by ClinVar (database versions not stated): gnomAD exomes 0.00019 and 0.00035; ExAC 0.00039; ESP Exome Variant Server 0.00108; 1000 Genomes Project 30x 0.00141; gnomAD 0.00141 and 0.00149; 1000 Genomes Project 0.00160; TOPMed 0.00188.
gnomAD v4.1: 506 of 1,613,930 alleles (0.031%); highest among the groups gnomAD compares: African/African-American, 0.33%; 3 homozygotes.

Submissions (12):

ClinGen Hearing Loss Variant Curation Expert Panel
Classification: Likely benign for Nonsyndromic genetic hearing loss. Last evaluated: 2019-04-29. Review status: reviewed by expert panel. Criteria: ClinGen HL ACMG Specifications v1. Collection method: curation. Allele origin: germline. Inheritance: Autosomal dominant inheritance.
Comment: The filtering allele frequency (the lower threshold of the 95% CI of 88/24956) of the p.Arg1033Trp variant in the TECTA gene is 0.29% for African chromosomes by gnomAD, which is a high enough frequency to be classified as likely benign based on thresholds defined by the ClinGen Hearing Loss Expert Panel for autosomal recessive hearing loss variants (BS1). The p.Arg1033Trp variant has been identified in one hearing loss patient who carries a second TECTA variant, p.Gln234Arg, that has previously been classified as likely benign by the HL VCEP (PMID 26969326, SCV000840522.3). The variant has also been observed by Partners LMM in one homozygous patient, two heterozygous patients, and two compound heterozygous patients who also carry one or two pathogenic or VUS favor-pathogenic variants. These cases are inconclusive (SCV000204966.4). In summary, this variant meets criteria to be classified as likely benign. ACMG/AMP criteria applied, as specified by the Hearing Loss Expert Panel: BS1.

CeGaT Center for Human Genetics Tuebingen
Classification: Likely benign. Last evaluated: 2026-06-01. Review status: criteria provided, single submitter. Criteria: CeGaT Center For Human Genetics Tuebingen Variant Classification Criteria Version 2. Collection method: clinical testing. Allele origin: germline. Affected: yes. Observed: 1 variant allele. Not counted in ClinVar's aggregate classification.
Comment: TECTA: BS1

Labcorp Genetics (formerly Invitae), Labcorp
Classification: Likely benign. Last evaluated: 2026-01-04. Review status: criteria provided, single submitter. Criteria: Invitae Variant Classification Sherloc (09022015). Collection method: clinical testing. Allele origin: germline. Not counted in ClinVar's aggregate classification.

Blueprint Genetics
Classification: Likely benign. Last evaluated: 2024-07-30. Review status: criteria provided, single submitter. Criteria: ACMG Guidelines, 2015. Collection method: clinical testing. Allele origin: germline. Not counted in ClinVar's aggregate classification.

Women's Health and Genetics/Laboratory Corporation of America, LabCorp
Classification: Likely benign. Last evaluated: 2021-12-23. Review status: criteria provided, single submitter. Criteria: LabCorp Variant Classification Summary - May 2015. Collection method: clinical testing. Allele origin: germline. Not counted in ClinVar's aggregate classification.
Comment: Variant summary: TECTA c.3097C>T (p.Arg1033Trp) results in a non-conservative amino acid change in the encoded protein sequence. Four of four in-silico tools predict a damaging effect of the variant on protein function. The variant allele was found at a frequency of 0.00042 in 282672 control chromosomes, predominantly at a frequency of 0.0035 within the African or African-American subpopulation in the gnomAD database. This frequency is equal to the estimated maximal expected allele frequency of a pathogenic variant in TECTA causing Deafness, Autosomal Recessive 21 (0.0035 vs 0.0035), suggesting this may be a benign polymorphism. c.3097C>T has been reported in the literature in one individual affected with hearing loss (Sloan-Heggen_2016). The report does not provide unequivocal conclusions about association of the variant with Deafness, Autosomal Recessive 21. To our knowledge, no experimental evidence demonstrating an impact on protein function has been reported. Seven ClinVar submitters (evaluation after 2014) cite the variant as uncertain significance (n=3) and likely benign (n=4), including one expert panel (ClinGen Hearing Loss Variant Curation Expert Panel) classified as likely benign. Based on the evidence outlined above, the variant was classified as likely benign.

GeneDx
Classification: Likely benign. Last evaluated: 2021-01-12. Review status: criteria provided, single submitter. Criteria: GeneDx Variant Classification Process June 2021. Collection method: clinical testing. Allele origin: germline. Affected: yes. Not counted in ClinVar's aggregate classification.
Comment: Identified in a patient with hearing loss who was also heterozygous for the Q234R variant (Sloan-Heggen et al., 2016); In silico analysis, which includes protein predictors and evolutionary conservation, supports that this variant does not alter protein structure/function; This variant is associated with the following publications: (PMID: 26969326)

ARUP Laboratories, Molecular Genetics and Genomics, ARUP Laboratories
Classification: Uncertain significance. Last evaluated: 2018-08-29. Review status: criteria provided, single submitter. Criteria: ARUP Molecular Germline Variant Investigation Process. Collection method: clinical testing. Allele origin: germline. Not counted in ClinVar's aggregate classification.
Comment: The p.Arg1033Trp variant (rs142486386) has been reported in the medical literature in a single individual with a suspected diagnosis of non-syndromic hearing loss; however, inheritance and specific clinical information were not reported for this individual (Sloan-Heggen 2016). The p.Arg1033Trp variant is listed in the Genome Aggregation Database (gnomAD) browser with an allele frequency of 0.34% in the African population (identified in 81 out of 24,020 chromosomes), and is listed in the ClinVar database (Variant ID: 178538). The arginine at codon 1033 is highly conserved considering 11 species up to Tetraodon (Alamut software v2.10.0), and computational analyses suggest that this variant does affect the structure/function of the TECTA protein (SIFT: damaging, PolyPhen2: probably damaging, MutationTaster: disease causing). While the p.Arg1033Trp variant appears to be an ethnic specific polymorphism in the African population, the available evidence is insufficient to classify this variant with certainty.

Athena Diagnostics
Classification: Uncertain significance. Last evaluated: 2018-07-31. Review status: criteria provided, single submitter. Criteria: Athena Diagnostics Criteria. Collection method: clinical testing. Allele origin: germline. Not counted in ClinVar's aggregate classification.

Laboratory for Molecular Medicine, Mass General Brigham Personalized Medicine
Classification: Likely benign. Last evaluated: 2017-06-22. Review status: criteria provided, single submitter. Criteria: LMM Criteria. Collection method: clinical testing. Allele origin: germline. Observed: 5 variant alleles. Not counted in ClinVar's aggregate classification.
Comment: p.Arg1033Trp in exon 10 of TECTA: This variant is not expected to have clinical significance because it has been identified in 0.3% (81/24020) of African chromo somes by the Genome Aggregation Database (gnomAD, rg; dbSNP rs142486386).

Eurofins Ntd Llc (ga)
Classification: Uncertain significance. Last evaluated: 2017-05-05. Review status: criteria provided, single submitter. Criteria: EGL Classification Definitions 2015. Collection method: clinical testing. Allele origin: germline. Observed: 2 variant alleles, 2 heterozygotes. Not counted in ClinVar's aggregate classification.

Breakthrough Genomics
Classification: Likely benign. Review status: criteria provided, single submitter. Criteria: ACMG Guidelines, 2015. Collection method: not provided. Allele origin: germline. Inheritance: Autosomal recessive inheritance. Affected: yes. Not counted in ClinVar's aggregate classification.

PreventionGenetics, part of Exact Sciences
Classification: Likely benign for TECTA-related condition. Last evaluated: 2021-11-22. Review status: no assertion criteria provided. Collection method: clinical testing. Allele origin: germline. Not counted in ClinVar's aggregate classification.
Comment: This variant is classified as likely benign based on ACMG/AMP sequence variant interpretation guidelines (Richards et al. 2015 PMID: 25741868, with internal and published modifications).

Literature cited by the submitters: PubMed 26969326 (cited by Women's Health and Genetics/Laboratory Corporation of America, LabCorp and Athena Diagnostics).

NM_005422.4(TECTA):c.3097C>T (p.Arg1033Trp)

Genes: TBCEL-TECTA (TBCEL-TECTA readthrough; plus strand), TECTA (tectorin alpha; plus strand). Cytogenetic location: 11q23.3.
Variant type: single nucleotide variant.
Coding change: c.3097C>T on transcript NM_005422.4 (MANE Select); coding-DNA position 3097, C replaced by T.
Protein change: p.Arg1033Trp; replaces arginine 1033 with tryptophan.
Molecular consequence: missense variant.
Genome position (GRCh38, 1-based): chr11:121,137,576, C>T. VCF-style: chr11-121137576-C-T. GRCh37 (hg19) VCF-style: chr11-121008285-C-T.
Other names: NM_005422.2(TECTA):c.3097C>T; c.4054C>T, p.Arg1352Trp (NM_001378761.1); short protein forms R1033W, R1352W.
Identifiers: ClinVar variation 178538 (VCV000178538.38), dbSNP rs142486386, ClinGen allele CA182517.